The following is an entry in ClinVar:

ClinVar aggregate classification (germline): Uncertain significance (1 of 4 stars; one submission).

Conditions:
Hereditary spastic paraplegia 4. Also called: Spastic paraplegia 4, autosomal dominant; Spastic Paraplegia 4; Familial spastic paraplegia autosomal dominant 2. Identifiers: Orphanet 100985, MedGen C1866855, MONDO:0008438, OMIM 182601.

Allele frequency attached by ClinVar (database versions not stated): TOPMed below 0.00001; gnomAD 0.00001.
gnomAD v4.1: 3 of 1,611,156 alleles (0.00019%); highest among the groups gnomAD compares: African/African-American, 0.004%; no homozygotes.

Submission:

Labcorp Genetics (formerly Invitae), Labcorp
Classification: Uncertain significance for Hereditary spastic paraplegia 4. Last evaluated: 2023-12-14. Review status: criteria provided, single submitter. Criteria: Invitae Variant Classification Sherloc (09022015). Collection method: clinical testing. Allele origin: germline.
Comment: This sequence change replaces threonine, which is neutral and polar, with proline, which is neutral and non-polar, at codon 308 of the SPAST protein (p.Thr308Pro). This variant is present in population databases (no rsID available, gnomAD 0.008%). This variant has not been reported in the literature in individuals affected with SPAST-related conditions. Advanced modeling of protein sequence and biophysical properties (such as structural, functional, and spatial information, amino acid conservation, physicochemical variation, residue mobility, and thermodynamic stability) performed at Invitae indicates that this missense variant is not expected to disrupt SPAST protein function with a negative predictive value of 80%. In summary, the available evidence is currently insufficient to determine the role of this variant in disease. Therefore, it has been classified as a Variant of Uncertain Significance.

NM_014946.4(SPAST):c.922A>C (p.Thr308Pro)

Gene: SPAST (spastin; plus strand). Cytogenetic location: 2p22.3.
Variant type: single nucleotide variant.
Coding change: c.922A>C on transcript NM_014946.4 (MANE Select); coding-DNA position 922, A replaced by C.
Protein change: p.Thr308Pro; replaces threonine 308 with proline.
Molecular consequence: missense variant.
Genome position (GRCh38, 1-based): chr2:32,115,753, A>C. VCF-style: chr2-32115753-A-C. GRCh37 (hg19) VCF-style: chr2-32340822-A-C.
Other names: c.919A>C, p.Thr307Pro (NM_001363823.2); c.823A>C, p.Thr275Pro (NM_001363875.2); c.826A>C, p.Thr276Pro (NM_001377959.1, NM_199436.2); short protein forms T275P, T307P, T276P, T308P.
Identifiers: ClinVar variation 2989004 (VCV002989004.3), dbSNP rs1236876768, ClinGen allele CA346499182.